The following is an entry in ClinVar:

NM_000540.3(RYR1):c.14693T>C (p.Ile4898Thr)

Gene: RYR1 (ryanodine receptor 1; plus strand). Cytogenetic location: 19q13.2.
Variant type: single nucleotide variant.
Coding change: c.14693T>C on transcript NM_000540.3 (MANE Select); coding-DNA position 14693, T replaced by C.
Protein change: p.Ile4898Thr; replaces isoleucine 4898 with threonine.
Molecular consequence: missense variant.
Genome position (GRCh38, 1-based): chr19:38,584,989, T>C. VCF-style: chr19-38584989-T-C. GRCh37 (hg19) VCF-style: chr19-39075629-T-C.
Other names: NM_000540.3(RYR1):c.14693T>C; c.14678T>C, p.Ile4893Thr (NM_001042723.2); short protein forms I4898T, I4893T.
Identifiers: ClinVar variation 12975 (VCV000012975.71), dbSNP rs118192170, ClinGen allele CA024233.

ClinVar aggregate classification (germline): Uncertain significance; drug response. Review status: reviewed by expert panel (3 of 4 stars). 23 submissions from 17 submitters: Uncertain significance (1). 15 of the submissions do not count toward it. Last evaluated 2023-05-22.

Conditions:
Central core myopathy (CMYO1A). Also called: Central core disease; Myopathy, central fibrillar; CONGENITAL MYOPATHY 1A, AUTOSOMAL DOMINANT, WITH SUSCEPTIBILITY TO MALIGNANT HYPERTHERMIA. Identifiers: Orphanet 597, MedGen C5830701, MONDO:0007294, OMIM 117000.
Malignant hyperthermia, susceptibility to, 1 (MHS1). Also called: Malignant hyperthermia suceptibility 1; Anesthesia related hyperthermia; Malignant hyperpyrexia; Fulminating hyperpyrexia; Pharmacogenic myopathy; RYR1-Related Malignant Hyperthermia Susceptibility. Identifiers: Orphanet 423, MedGen C2930980, MONDO:0007783, OMIM 145600.
Congenital myopathy with fiber type disproportion. Also called: Congenital fiber-type disproportion; Congenital fiber-type disproportion myopathy. Identifiers: Orphanet 2020, MedGen C0546264, MONDO:0009711. Inheritance: all.
Congenital multicore myopathy with external ophthalmoplegia (CMYO1B). Also called: Minicore myopathy with external ophthalmoplegia; Congenital myopathy 1B, autosomal recessive; Minicore myopathy; MULTICORE MYOPATHY; MULTIMINICORE DISEASE WITH EXTERNAL OPHTHALMOPLEGIA. Identifiers: Orphanet 598, Orphanet 98905, MedGen C1850674, MONDO:0009712, OMIM 255320, HP:0003789.
Congenital myopathy. Identifiers: Orphanet 97245, MedGen C0270960, MONDO:0019952.
succinylcholine response - Toxicity.
sevoflurane response - Toxicity.
methoxyflurane response - Toxicity.
isoflurane response - Toxicity.
halothane response - Toxicity.
enflurane response - Toxicity.
desflurane response - Toxicity.
RYR1-related myopathy. Identifiers: Orphanet 98742, MedGen CN305348, MONDO:0100150.
RYR1-related disorder. Also called: RYR1-related condition; RYR1-related disorders. Identifiers: MedGen CN239331.

Allele frequency attached by ClinVar (database versions not stated): gnomAD exomes below 0.00001.
gnomAD v4.1: 1 of 1,614,012 alleles (0.000062%); highest among the groups gnomAD compares: Non-Finnish European, 0.000085%; no homozygotes.

Submissions 1 to 10 of 23:

ClinGen Malignant Hyperthermia Susceptibility Variant Curation Expert Panel, ClinGen
Classification: Uncertain significance for Malignant hyperthermia, susceptibility to, 1. Last evaluated: 2023-05-22. Review status: reviewed by expert panel. Criteria: ClinGen MHS ACMG Specifications V2. Collection method: curation. Allele origin: germline. Inheritance: Autosomal dominant inheritance.
Comment: The ClinGen RYR1-MHS variant curation expert panel is focused on assessing variants in RYR1 for pathogenicity as related to malignant hyperthermia susceptibility (MHS) inherited in an autosomal dominant pattern. Variants in RYR1 can also cause other myopathies inherited in an autosomal dominant pattern or in an autosomal recessive pattern. Some of these disorders may predispose individuals to malignant hyperthermia. RYR1 variants may also contribute to a malignant hyperthermia reaction in combination with other genetic and non-genetic factors and the clinician needs to consider such factors in making management decisions. This sequence variant predicts a substitution of Isoleucine with Threonine at codon 4898 of the RYR1 protein, p.(Ile4898Thr). This variant was not present in a large population database (gnomAD) at the time this variant was interpreted. This variant has been reported in individuals with a personal or family history of an MH episode or central core disease but without sufficient information to consider the reports for informing PS4 in relation to MHS inherited in an autosomal dominant pattern (PMID: 10097181, 11709545, 12565913, 16621918 and others). Functional studies in HEK293 cells do not show an increased sensitivity to RYR1 agonists, BS3_Supporting (PMID:10097181). Additional functional studies were published for this variant that did not show statistical differences in resting Ca2+ and sarcoplasmic reticulum Ca2+ content, however, those assays were not considered standard assays for variant interpretation in regard to MHS by the ClinGen RYR1 VCEP (PMID:11274444, PMID: 12642598). This variant resides in a region of RYR1 considered to be a hotspot for pathogenic variants that contribute to MHS, PM1_Supporting (PMID: 21118704). A REVEL score >0.85 supports a pathogenic status for this variant, PP3_Moderate. This variant has been classified as a Variant of Unknown Significance in relation to MHS inherited in an autosomal dominant pattern. Criteria implemented: PM1_Sup, PP3_Moderate, BS3_Supporting.

ClinPGx
Classification: drug response for enflurane response - Toxicity. Last evaluated: 2021-03-24. Review status: reviewed by expert panel. Criteria: Pharmacogenomics knowledge for personalized medicine. Collection method: curation. Allele origin: germline. Affected: yes.
Comment: PharmGKB Level of Evidence 1A: Level 1A clinical annotations describe variant-drug combinations that have variant-specific prescribing guidance available in a current clinical guideline annotation or an FDA-approved drug label annotation. Annotations of drug labels or clinical guidelines must give prescribing guidance for specific variants (e.g. CYP2C9*3, HLA-B*57:01) or provide mapping from defined allele functions to diplotypes and phenotypes to be used as supporting evidence for a level 1A clinical annotation. Level 1A clinical annotations must also be supported by at least one publication in addition to a clinical guideline or drug label with variant-specific prescribing guidance.

Drug is not necessarily used to treat response condition

ClinPGx
Classification: drug response for halothane response - Toxicity. Last evaluated: 2021-03-24. Review status: reviewed by expert panel. Criteria: Pharmacogenomics knowledge for personalized medicine. Collection method: curation. Allele origin: germline. Affected: yes.
Comment: the same text as in the submission from ClinPGx above.

ClinPGx
Classification: drug response for isoflurane response - Toxicity. Last evaluated: 2021-03-24. Review status: reviewed by expert panel. Criteria: Pharmacogenomics knowledge for personalized medicine. Collection method: curation. Allele origin: germline. Affected: yes.
Comment: the same text as in the submission from ClinPGx above.

ClinPGx
Classification: drug response for methoxyflurane response - Toxicity. Last evaluated: 2021-03-24. Review status: reviewed by expert panel. Criteria: Pharmacogenomics knowledge for personalized medicine. Collection method: curation. Allele origin: germline. Affected: yes.
Comment: the same text as in the submission from ClinPGx above.

ClinPGx
Classification: drug response for sevoflurane response - Toxicity. Last evaluated: 2021-03-24. Review status: reviewed by expert panel. Criteria: Pharmacogenomics knowledge for personalized medicine. Collection method: curation. Allele origin: germline. Affected: yes.
Comment: the same text as in the submission from ClinPGx above.

ClinPGx
Classification: drug response for succinylcholine response - Toxicity. Last evaluated: 2021-03-24. Review status: reviewed by expert panel. Criteria: Pharmacogenomics knowledge for personalized medicine. Collection method: curation. Allele origin: germline. Affected: yes.
Comment: the same text as in the submission from ClinPGx above.

ClinPGx
Classification: drug response for desflurane response - Toxicity. Last evaluated: 2021-03-24. Review status: reviewed by expert panel. Criteria: Pharmacogenomics knowledge for personalized medicine. Collection method: curation. Allele origin: germline. Affected: yes.
Comment: the same text as in the submission from ClinPGx above.

Mendelics
Classification: Pathogenic for Central core myopathy. Last evaluated: 2025-11-17. Review status: criteria provided, single submitter. Criteria: Mendelics Assertion Criteria 2017. Collection method: clinical testing. Allele origin: unknown. Not counted in ClinVar's aggregate classification.
Comment: The variant NM_000540.3(RYR1):c.14693T>C (p.Ile4898Thr) has only one allele listed by GnomAD v4.1.0 (frequency 6.196e-7). In silico predictors suggest this variant as likely pathogenic (CADD/REVEL/PolyPhen). Previously submitted to ClinVar as pathogenic with robust evidences.

Labcorp Genetics (formerly Invitae), Labcorp
Classification: Pathogenic for RYR1-related disorder. Last evaluated: 2025-10-02. Review status: criteria provided, single submitter. Criteria: Invitae Variant Classification Sherloc (09022015). Collection method: clinical testing. Allele origin: germline. Not counted in ClinVar's aggregate classification.
Comment: This sequence change replaces isoleucine, which is neutral and non-polar, with threonine, which is neutral and polar, at codon 4898 of the RYR1 protein (p.Ile4898Thr). This variant is not present in population databases (gnomAD no frequency). This missense change has been observed in individual(s) with autosomal dominant central core disease (PMID: 10097181, 11709545, 11741831, 20888934, 24561095, 25084811). In at least one individual the variant was observed to be de novo. It has also been observed to segregate with disease in related individuals. This variant is also known as I4897T. ClinVar contains an entry for this variant (Variation ID: 12975). Invitae Evidence Modeling of protein sequence and biophysical properties (such as structural, functional, and spatial information, amino acid conservation, physicochemical variation, residue mobility, and thermodynamic stability) indicates that this missense variant is expected to disrupt RYR1 protein function with a positive predictive value of 80%. Experimental studies have shown that this missense change affects RYR1 function (PMID: 10097181, 12642598, 15175001, 21825032, 22203976). For these reasons, this variant has been classified as Pathogenic.